The following is an entry in ClinVar:

NM_000553.6(WRN):c.2980C>T (p.Leu994Phe)

Gene: WRN (WRN RecQ like helicase; plus strand). Cytogenetic location: 8p12.
Variant type: single nucleotide variant.
Coding change: c.2980C>T on transcript NM_000553.6 (MANE Select); coding-DNA position 2980, C replaced by T.
Protein change: p.Leu994Phe; replaces leucine 994 with phenylalanine.
Molecular consequence: missense variant.
Genome position (GRCh38, 1-based): chr8:31,141,442, C>T. VCF-style: chr8-31141442-C-T. GRCh37 (hg19) VCF-style: chr8-30998958-C-T.
Other names: short protein forms L994F.
Identifiers: ClinVar variation 238145 (VCV000238145.3), dbSNP rs878854137, ClinGen allele CA10582583.

ClinVar aggregate classification (germline): Uncertain significance (1 of 4 stars; one submission).

Conditions:
Werner syndrome (WRN). Identifiers: Orphanet 902, MedGen C0043119, MONDO:0010196, OMIM 277700.

Allele frequency attached by ClinVar (database versions not stated): gnomAD exomes below 0.00001.

Submission:

Labcorp Genetics (formerly Invitae), Labcorp
Classification: Uncertain significance for Werner syndrome. Last evaluated: 2016-02-07. Review status: criteria provided, single submitter. Criteria: Invitae Variant Classification Sherloc (09022015). Collection method: clinical testing. Allele origin: germline.
Comment: This sequence change replaces leucine with phenylalanine at codon 994 of the WRN protein (p.Leu994Phe). The leucine residue is highly conserved and there is a small physicochemical difference between leucine and phenylalanine. This variant is not present in population databases (ExAC no frequency) and has not been reported in the literature in individuals with a WRN-related disease. Algorithms developed to predict the effect of missense changes on protein structure and function do not agree on the potential impact of this missense change (SIFT: "Tolerated"; PolyPhen-2: "Probably Damaging"; Align-GVGD: "Class C0"). In summary, this is a novel missense change with uncertain impact on protein function. It has been classified as a Variant of Uncertain Significance.